The following is an entry in ClinVar:

ClinVar aggregate classification (germline): Benign/Likely benign. Review status: criteria provided, multiple submitters, no conflicts (2 of 4 stars). 5 submissions from 5 submitters: Benign (1); Likely benign (4). Last evaluated 2026-04-01.

Conditions:
Pityriasis rubra pilaris (PRP). Also called: Pityriasis rubra pilaris--familial type. Identifiers: Orphanet 2897, MedGen C0032027, MONDO:0100017, OMIM 173200, MONDO:0008251.
Psoriasis 2. Identifiers: MedGen C1864497, MONDO:0011269, OMIM 602723.

Allele frequency attached by ClinVar (database versions not stated): TOPMed 0.00031; ExAC 0.00037; gnomAD 0.00054; 1000 Genomes Project 0.00060; gnomAD exomes 0.00067; 1000 Genomes Project 30x 0.00078.
gnomAD v4.1: 390 of 1,613,238 alleles (0.024%); highest among the groups gnomAD compares: Admixed American, 0.18%; no homozygotes.

Submissions (5):

CeGaT Center for Human Genetics Tuebingen
Classification: Likely benign. Last evaluated: 2026-04-01. Review status: criteria provided, single submitter. Criteria: CeGaT Center For Human Genetics Tuebingen Variant Classification Criteria Version 2. Collection method: clinical testing. Allele origin: germline. Affected: yes. Observed: 2 variant alleles.
Comment: CARD14: BP4

Labcorp Genetics (formerly Invitae), Labcorp
Classification: Likely benign for Pityriasis rubra pilaris; Psoriasis 2. Last evaluated: 2026-01-12. Review status: criteria provided, single submitter. Criteria: Invitae Variant Classification Sherloc (09022015). Collection method: clinical testing. Allele origin: germline.

Blueprint Genetics
Classification: Likely benign. Last evaluated: 2024-10-30. Review status: criteria provided, single submitter. Criteria: ACMG Guidelines, 2015. Collection method: clinical testing. Allele origin: germline.

Fulgent Genetics
Classification: Likely benign for Pityriasis rubra pilaris; Psoriasis 2. Last evaluated: 2022-04-30. Review status: criteria provided, single submitter. Criteria: ACMG Guidelines, 2015. Collection method: clinical testing. Allele origin: unknown.

Mendelics
Classification: Benign for Pityriasis rubra pilaris. Last evaluated: 2019-05-28. Review status: criteria provided, single submitter. Criteria: Mendelics Assertion Criteria 2017. Collection method: clinical testing. Allele origin: unknown.

NM_001366385.1(CARD14):c.1772C>T (p.Thr591Met)

Gene: CARD14 (caspase recruitment domain family member 14; plus strand). Cytogenetic location: 17q25.3.
Variant type: single nucleotide variant.
Coding change: c.1772C>T on transcript NM_001366385.1 (MANE Select); coding-DNA position 1772, C replaced by T.
Protein change: p.Thr591Met; replaces threonine 591 with methionine.
Molecular consequence: missense variant. On other transcripts: non-coding transcript variant (1).
Genome position (GRCh38, 1-based): chr17:80,198,512, C>T. VCF-style: chr17-80198512-C-T. GRCh37 (hg19) VCF-style: chr17-78172311-C-T.
Other names: c.1772C>T, p.Thr591Met (NM_001257970.1, NM_024110.4); c.1061C>T, p.Thr354Met (NM_052819.3); short protein forms T591M, T354M.
Identifiers: ClinVar variation 527892 (VCV000527892.22), dbSNP rs200102454, ClinGen allele CA8816983.